The following is an entry in ClinVar:

ClinVar aggregate classification (germline): Uncertain significance (1 of 4 stars; one submission).

Conditions:
Inborn genetic diseases. Identifiers: MedGen C0950123, MeSH D030342.

Submission:

Ambry Genetics
Classification: Uncertain significance for Inborn genetic diseases. Last evaluated: 2025-01-23. Review status: criteria provided, single submitter. Criteria: Ambry Variant Classification Scheme 2023. Collection method: clinical testing. Allele origin: germline.
Comment: The p.H215Q variant (also known as c.645C>G), located in coding exon 5 of the ANKRD26 gene, results from a C to G substitution at nucleotide position 645. The histidine at codon 215 is replaced by glutamine, an amino acid with highly similar properties. This amino acid position is conserved. In addition, this alteration is predicted to be tolerated by in silico analysis. Based on the available evidence, the clinical significance of this variant remains unclear.

NM_014915.3(ANKRD26):c.645C>G (p.His215Gln)

Gene: ANKRD26 (ankyrin repeat domain containing 26; minus strand). Cytogenetic location: 10p12.1.
Variant type: single nucleotide variant.
Coding change: c.645C>G on transcript NM_014915.3 (MANE Select); coding-DNA position 645, C replaced by G.
Protein change: p.His215Gln; replaces histidine 215 with glutamine.
Molecular consequence: missense variant.
Genome position (GRCh38, 1-based): chr10:27,086,603, G>C on the plus strand (C>G on the coding strand, the complement: ANKRD26 is on the minus strand). VCF-style: chr10-27086603-G-C. GRCh37 (hg19) VCF-style: chr10-27375532-G-C.
Other names: c.645C>G, p.His215Gln (NM_001256053.2); short protein forms H215Q.
Identifiers: ClinVar variation 3870699 (VCV003870699.1).